The following is an entry in ClinVar:

NM_182925.5(FLT4):c.2695A>T (p.Ile899Phe)

Gene: FLT4 (fms related receptor tyrosine kinase 4; minus strand). Cytogenetic location: 5q35.3.
Variant type: single nucleotide variant.
Coding change: c.2695A>T on transcript NM_182925.5 (MANE Select); coding-DNA position 2695, A replaced by T.
Protein change: p.Ile899Phe; replaces isoleucine 899 with phenylalanine.
Molecular consequence: missense variant.
Genome position (GRCh38, 1-based): chr5:180,619,319, T>A on the plus strand (A>T on the coding strand, the complement: FLT4 is on the minus strand). VCF-style: chr5-180619319-T-A. GRCh37 (hg19) VCF-style: chr5-180046319-T-A.
Other names: c.2695A>T, p.Ile899Phe (NM_001354989.2, NM_002020.5); short protein forms I899F.
Identifiers: ClinVar variation 4539933 (VCV004539933.1).

ClinVar aggregate classification (germline): Uncertain significance (1 of 4 stars; one submission).

gnomAD v4.1: 1 of 1,610,954 alleles (0.000062%); highest among the groups gnomAD compares: Admixed American, 0.0017%; no homozygotes.

Submission:

GeneDx
Classification: Uncertain significance. Last evaluated: 2025-06-27. Review status: criteria provided, single submitter. Criteria: GeneDx Variant Classification Process June 2021. Collection method: clinical testing. Allele origin: germline. Affected: yes.
Comment: Not observed at significant frequency in large population cohorts (gnomAD); In silico analysis supports that this missense variant has a deleterious effect on protein structure/function; Has not been previously published as pathogenic or benign to our knowledge; This variant is associated with the following publications: (PMID: 10835628, 11114740)